The following is an entry in ClinVar:

NM_025114.4(CEP290):c.6270+1G>A

Gene: CEP290 (centrosomal protein 290; minus strand). Cytogenetic location: 12q21.32.
Variant type: single nucleotide variant.
Coding change: c.6270+1G>A on transcript NM_025114.4 (MANE Select); the canonical splice donor site of the intron after coding-DNA position 6270, G replaced by A.
Molecular consequence: splice donor variant.
Genome position (GRCh38, 1-based): chr12:88,063,980, C>T on the plus strand (G>A on the coding strand, the complement: CEP290 is on the minus strand). VCF-style: chr12-88063980-C-T. GRCh37 (hg19) VCF-style: chr12-88457757-C-T.
Other names: c.6270+1G>A (NM_025114.3).
Identifiers: ClinVar variation 3575374 (VCV003575374.2).

ClinVar aggregate classification (germline): Likely pathogenic. Review status: criteria provided, multiple submitters, no conflicts (2 of 4 stars). 2 submissions from 2 submitters: Likely pathogenic (2). Last evaluated 2026-06-03.

Conditions:
CEP290-related disorder. Also called: CEP290-related condition; CEP290-related disorders. Identifiers: MedGen CN239314.
Leber congenital amaurosis 10 (LCA10). Identifiers: Orphanet 65, MedGen C1857821, MONDO:0012723, OMIM 611755.
Meckel syndrome, type 4 (MKS4). Also called: MECKEL-GRUBER SYNDROME, TYPE 4. Identifiers: Orphanet 564, MedGen C1970161, MONDO:0012626, OMIM 611134.
Senior-Loken syndrome 6 (SLSN6). Identifiers: Orphanet 3156, MedGen C1857779, MONDO:0012433, OMIM 610189.
Joubert syndrome 5 (JBTS5). Identifiers: Orphanet 2318, MedGen C1857780, MONDO:0012432, OMIM 610188.
Bardet-Biedl syndrome 14 (BBS14). Identifiers: Orphanet 110, MedGen C2673874, MONDO:0014442, OMIM 615991.

Submissions (2):

PreventionGenetics, part of Exact Sciences
Classification: Likely pathogenic for CEP290-related condition. Last evaluated: 2026-06-03. Review status: criteria provided, single submitter. Criteria: ACMG Guidelines, 2015. Collection method: clinical testing. Allele origin: germline.
Comment: The CEP290 c.6270+1G>A variant is predicted to disrupt the GT donor site and interfere with normal splicing. To our knowledge, this variant has not been reported in the literature or in a large population database (gnomAD), indicating this variant is rare. It disrupts a canonical splice donor site of an in-frame exon. Early termination changes up and downstream are reported in the literature; however, to our knowledge, no other variants at this splice junction have been conclusively documented as causative. Variants that disrupt the consensus splice donor site in CEP290 are expected to be pathogenic. This variant is interpreted as likely pathogenic.

Fulgent Genetics
Classification: Likely pathogenic for Joubert syndrome 5; Senior-Loken syndrome 6; Meckel syndrome, type 4; Leber congenital amaurosis 10; Bardet-Biedl syndrome 14. Last evaluated: 2024-02-19. Review status: criteria provided, single submitter. Criteria: ACMG Guidelines, 2015. Collection method: clinical testing. Allele origin: germline.